The following is an entry in ClinVar:

NM_014905.5(GLS):c.110G>A (p.Arg37His)

Gene: GLS (glutaminase; plus strand). Cytogenetic location: 2q32.2.
Variant type: single nucleotide variant.
Coding change: c.110G>A on transcript NM_014905.5 (MANE Select); coding-DNA position 110, G replaced by A.
Protein change: p.Arg37His; replaces arginine 37 with histidine.
Molecular consequence: missense variant.
Genome position (GRCh38, 1-based): chr2:190,881,194, G>A. VCF-style: chr2-190881194-G-A. GRCh37 (hg19) VCF-style: chr2-191745920-G-A.
Other names: c.110G>A, p.Arg37His (NM_001256310.2, NM_001437282.1, NM_001437283.1); short protein forms R37H.
Identifiers: ClinVar variation 4821189 (VCV004821189.4).

ClinVar aggregate classification (germline): Likely benign (1 of 4 stars; one submission).

gnomAD v4.1: 718 of 1,307,422 alleles (0.055%); highest among the groups gnomAD compares: African/African-American, 1%; 5 homozygotes.

Submission:

CeGaT Center for Human Genetics Tuebingen
Classification: Likely benign. Last evaluated: 2026-02-01. Review status: criteria provided, single submitter. Criteria: CeGaT Center For Human Genetics Tuebingen Variant Classification Criteria Version 2. Collection method: clinical testing. Allele origin: germline. Affected: yes. Observed: 1 variant allele.
Comment: GLS: BS1